The following is an entry in ClinVar:

ClinVar aggregate classification (germline): Conflicting classifications of pathogenicity. Review status: criteria provided, conflicting classifications (1 of 4 stars). 14 submissions from 14 submitters: Uncertain significance (2); Likely benign (9). 3 of the submissions do not count toward it. Last evaluated 2026-09-18.

Conditions:
BRCA2-related cancer predisposition. Identifiers: MedGen CN377758, MONDO:0700269.
BRCA2-related disorder. Also called: BRCA2-related condition; BRCA2-related disorders. Identifiers: MedGen CN239275.
Hereditary cancer-predisposing syndrome. Also called: Hereditary neoplastic syndrome; Tumor predisposition; Hereditary Cancer Syndrome; Neoplastic Syndromes, Hereditary. Identifiers: Orphanet 140162, MedGen C0027672, MeSH D009386, MONDO:0015356.
Hereditary breast ovarian cancer syndrome. Also called: Breast and ovarian cancer; Hereditary breast and/or ovarian cancer syndrome; BRCA1- and BRCA2-Associated Hereditary Breast and Ovarian Cancer; Hereditary breast and ovarian cancer syndrome; Hereditary breast and ovarian cancer; Hereditary breast and ovarian cancer syndrome (HBOC). Identifiers: Orphanet 145, MedGen C0677776, MeSH D061325, MONDO:0003582. Disease mechanism: loss of function.
Breast-ovarian cancer, familial, susceptibility to, 2 (BROVCA2). Also called: BRCA2 Hereditary Breast and Ovarian Cancer. Identifiers: Orphanet 145, MedGen C2675520, MONDO:0012933, OMIM 612555. Disease mechanism: loss of function.

Allele frequency attached by ClinVar (database versions not stated): gnomAD exomes 0.00002 and 0.00007; ExAC 0.00003; gnomAD 0.00003 and 0.00004; TOPMed 0.00003.
gnomAD v4.1: 107 of 1,596,910 alleles (0.0067%); highest among the groups gnomAD compares: Non-Finnish European, 0.0089%; no homozygotes.

Submissions (15):

PreventionGenetics, part of Exact Sciences
Classification: Likely benign for BRCA2-related condition. Last evaluated: 2026-09-18. Review status: criteria provided, single submitter. Criteria: ACMG Guidelines, 2015. Collection method: clinical testing. Allele origin: germline.
Comment: This variant is classified as likely benign based on ACMG/AMP sequence variant interpretation guidelines (Richards et al. 2015 PMID: 25741868, with internal and published modifications).

Labcorp Genetics (formerly Invitae), Labcorp
Classification: Likely benign for Hereditary breast ovarian cancer syndrome. Last evaluated: 2026-01-20. Review status: criteria provided, single submitter. Criteria: Invitae Variant Classification Sherloc (09022015). Collection method: clinical testing. Allele origin: germline.

Women's Health and Genetics/Laboratory Corporation of America, LabCorp
Classification: Likely benign. Last evaluated: 2025-02-18. Review status: criteria provided, single submitter. Criteria: LabCorp Variant Classification Summary - May 2015. Collection method: clinical testing. Allele origin: germline.
Comment: Variant summary: BRCA2 c.887A>G (p.Tyr296Cys) results in a non-conservative amino acid change in the encoded protein sequence. Four of five in-silico tools predict a benign effect of the variant on protein function. The variant allele was found at a frequency of 2.5e-05 in 240732 control chromosomes. The available data on variant occurrences in the general population are insufficient to allow any conclusion about variant significance. c.887A>G has been reported in the literature in individuals affected with various types of cancer (examples: pediatric cancer, lung adenocarcinoma, breast cancer) without strong evidence for causality (examples: Zhang_2015, Lu_2015, Kraus_2016, Chandrasekharappa_2017, Lattimore_2020, Chian_2021). These report(s) do not provide unequivocal conclusions about association of the variant with Hereditary Breast And Ovarian Cancer Syndrome. Co-occurrences with other pathogenic variant(s) have been reported (BRCA2 c.7638_7647del, p.Lys2547X; BRCA2 c.774_775delAA, p.Glu260Serfs*13), providing supporting evidence for a benign role (UMD, and Chiang_2021). The following publications have been ascertained in the context of this evaluation (PMID: 28678401, 21702907, 27616075, 26689913, 25348012, 21523855, 26580448, 33113089, 34235180). ClinVar contains an entry for this variant (Variation ID: 38191). Based on the evidence outlined above, the variant was classified as likely benign.

Department of Pathology and Laboratory Medicine, Sinai Health System
Classification: Likely benign for BRCA2-related cancer predisposition. Last evaluated: 2024-02-09. Review status: criteria provided, single submitter. Criteria: ACMG Guidelines, 2015. Collection method: clinical testing. Allele origin: germline.

Quest Diagnostics Nichols Institute San Juan Capistrano
Classification: Likely benign. Last evaluated: 2023-05-23. Review status: criteria provided, single submitter. Criteria: Quest Diagnostics criteria. Collection method: clinical testing. Allele origin: unknown.

University of Washington Department of Laboratory Medicine, University of Washington
Classification: Likely benign for Hereditary cancer-predisposing syndrome. Last evaluated: 2023-03-23. Review status: criteria provided, single submitter. Criteria: Dines et al. (Genet Med. 2020). Collection method: curation. Allele origin: germline.
Comment: Missense variant in a coldspot region where missense variants are very unlikely to be pathogenic (PMID:31911673).

BRCA2 exon 10 coldspot. Reclassification based on statistical prior probability.

Institute for Clinical Genetics, University Hospital TU Dresden, University Hospital TU Dresden
Classification: Uncertain significance. Last evaluated: 2021-11-03. Review status: criteria provided, single submitter. Criteria: ACMG Guidelines, 2015. Collection method: clinical testing. Allele origin: germline.

Mayo Clinic Laboratories, Mayo Clinic
Classification: Uncertain significance. Last evaluated: 2020-07-24. Review status: criteria provided, single submitter. Criteria: ACMG Guidelines, 2015. Collection method: clinical testing. Allele origin: germline. Observed: 1 variant allele.

Ambry Genetics
Classification: Likely benign for Hereditary cancer-predisposing syndrome. Last evaluated: 2019-02-27. Review status: criteria provided, single submitter. Criteria: Ambry Variant Classification Scheme 2023. Collection method: clinical testing. Allele origin: germline.

GeneDx
Classification: Likely benign. Last evaluated: 2017-11-15. Review status: criteria provided, single submitter. Criteria: GeneDx Variant Classification (06012015). Collection method: clinical testing. Allele origin: germline. Affected: yes.
Comment: This variant is considered likely benign or benign based on one or more of the following criteria: it is a conservative change, it occurs at a poorly conserved position in the protein, it is predicted to be benign by multiple in silico algorithms, and/or has population frequency not consistent with disease.

Color Diagnostics, LLC DBA Color Health
Classification: Likely benign for Hereditary cancer-predisposing syndrome. Last evaluated: 2014-11-24. Review status: criteria provided, single submitter. Criteria: ACMG Guidelines, 2015. Collection method: clinical testing. Allele origin: germline.

Counsyl
Classification: Uncertain significance for Breast-ovarian cancer, familial, susceptibility to, 2. Last evaluated: 2015-12-16. Review status: no assertion criteria provided. Collection method: clinical testing. Allele origin: unknown. Not counted in ClinVar's aggregate classification.

Sharing Clinical Reports Project (SCRP)
Classification: Likely benign for Breast-ovarian cancer, familial 2. Last evaluated: 2008-08-08. Review status: no assertion criteria provided. Collection method: clinical testing. Allele origin: germline. Not counted in ClinVar's aggregate classification.

Breast Cancer Information Core (BIC) (BRCA2)
Classification: Uncertain significance for Breast-ovarian cancer, familial 2. Last evaluated: 2004-02-20. Review status: no assertion criteria provided. Collection method: clinical testing. Allele origin: germline. Affected: yes. Observed: 5 variant alleles. Not counted in ClinVar's aggregate classification.

Dr. Peter K. Rogan Lab, Western University
No classification provided (evidence only). Condition: Cholangiocarcinoma. Review status: no classification provided. Collection method: in vitro. Allele origin: not applicable. Functional consequence: retained intron. Not counted in ClinVar's aggregate classification.

Literature cited by the submitters: PubMed 21702907 (cited by 3 submitters); PubMed 21523855 (cited by 3 submitters); PubMed 25348012 (cited by 3 submitters); PubMed 26689913 (cited by Women's Health and Genetics/Laboratory Corporation of America, LabCorp); PubMed 27616075 (cited by 3 submitters); PubMed 26580448 (cited by Women's Health and Genetics/Laboratory Corporation of America, LabCorp and Department of Pathology and Laboratory Medicine, Sinai Health System); PubMed 28678401 (cited by Women's Health and Genetics/Laboratory Corporation of America, LabCorp and Department of Pathology and Laboratory Medicine, Sinai Health System); PubMed 33113089 (cited by Women's Health and Genetics/Laboratory Corporation of America, LabCorp and Department of Pathology and Laboratory Medicine, Sinai Health System); PubMed 34235180 (cited by 3 submitters); PubMed 33471991 (cited by Department of Pathology and Laboratory Medicine, Sinai Health System and Quest Diagnostics Nichols Institute San Juan Capistrano); PubMed 30055349 (cited by Quest Diagnostics Nichols Institute San Juan Capistrano); PubMed 30850667 (cited by Quest Diagnostics Nichols Institute San Juan Capistrano).

NM_000059.4(BRCA2):c.887A>G (p.Tyr296Cys)

Gene: BRCA2 (BRCA2 DNA repair associated; plus strand). Cytogenetic location: 13q13.1.
Variant type: single nucleotide variant.
Coding change: c.887A>G on transcript NM_000059.4 (MANE Select); coding-DNA position 887, A replaced by G.
Protein change: p.Tyr296Cys; replaces tyrosine 296 with cysteine.
Molecular consequence: missense variant.
Genome position (GRCh38, 1-based): chr13:32,332,365, A>G. VCF-style: chr13-32332365-A-G. GRCh37 (hg19) VCF-style: chr13-32906502-A-G.
Other names: p.Y296C:TAT>TGT; 1115A>G; short protein forms Y296C.
Identifiers: ClinVar variation 38191 (VCV000038191.35), dbSNP rs45457795, ClinGen allele CA025860.